The following is an entry in ClinVar:

NM_012338.4(TSPAN12):c.476G>A (p.Cys159Tyr)

Gene: TSPAN12 (tetraspanin 12; minus strand). Cytogenetic location: 7q31.31.
Variant type: single nucleotide variant.
Coding change: c.476G>A on transcript NM_012338.4 (MANE Select); coding-DNA position 476, G replaced by A.
Protein change: p.Cys159Tyr; replaces cysteine 159 with tyrosine.
Molecular consequence: missense variant.
Genome position (GRCh38, 1-based): chr7:120,806,685, C>T on the plus strand (G>A on the coding strand, the complement: TSPAN12 is on the minus strand). VCF-style: chr7-120806685-C-T. GRCh37 (hg19) VCF-style: chr7-120446739-C-T.
Other names: short protein forms C159Y.
Identifiers: ClinVar variation 4888124 (VCV004888124.1).

ClinVar aggregate classification (germline): Likely pathogenic (1 of 4 stars; one submission).

Submission:

GeneDx
Classification: Likely pathogenic. Last evaluated: 2026-02-17. Review status: criteria provided, single submitter. Criteria: GeneDx Variant Classification Process June 2021. Collection method: clinical testing. Allele origin: germline.
Comment: Observed in individuals with clinical features consistent with a TSPAN12-related disorder referred for genetic testing at GeneDx and in published literature (PMID: 31106028, 31299183, 33907885, 35876299, 37451565); Published functional studies suggest a damaging effect on Norrin/-catenin signaling (PMID: 37451565); Not observed at significant frequency in large population cohorts (gnomAD); In silico analysis supports that this missense variant has a deleterious effect on protein structure/function; This variant is associated with the following publications: (PMID: 36729443, 31106028, 31299183, 33907885, 35876299, 37451565)